The following is an entry in ClinVar:

NM_003590.5(CUL3):c.883+3_883+6del

Gene: CUL3 (cullin 3; minus strand). Cytogenetic location: 2q36.2.
Variant type: Deletion.
Coding change: c.883+3_883+6del on transcript NM_003590.5 (MANE Select); bases 3 to 6 of the intron after coding-DNA position 883, 4 bases deleted (AAGT; older notation c.883+3_883+6delAAGT).
Molecular consequence: splice donor variant.
Genome position (GRCh38, 1-based): chr2:224,511,348-224,511,351, ACTT deleted on the plus strand (AAGT on the coding strand, the reverse complement: CUL3 is on the minus strand); deleting any 4 consecutive bases within chr2:224,511,348-224,511,353 gives the same sequence; the c. name uses the placement nearest the transcript's 3' end. VCF-style (leftmost placement, unchanged base first): chr2-224511347-CACTT-C. GRCh37 (hg19) VCF-style: chr2-225376064-CACTT-C.
Other names: c.685+3_685+6del (NM_001257197.2); c.901+3_901+6del (NM_001257198.2).
Identifiers: ClinVar variation 2429863 (VCV002429863.4), dbSNP rs2469994698, ClinGen allele CA2580065949.

ClinVar aggregate classification (germline): Uncertain significance. Review status: criteria provided, multiple submitters, no conflicts (2 of 4 stars). 2 submissions from 2 submitters: Uncertain significance (2). Last evaluated 2024-09-10.

Conditions:
Autism spectrum disorder. Also called: Autism spectrum disorders. Identifiers: MedGen C1510586, MeSH D000067877, MONDO:0005258.

Submissions (2):

Labcorp Genetics (formerly Invitae), Labcorp
Classification: Uncertain significance. Last evaluated: 2024-09-10. Review status: criteria provided, single submitter. Criteria: Invitae Variant Classification Sherloc (09022015). Collection method: clinical testing. Allele origin: germline.
Comment: This sequence change falls in intron 6 of the CUL3 gene. It does not directly change the encoded amino acid sequence of the CUL3 protein. It affects a nucleotide within the consensus splice site. This variant is not present in population databases (gnomAD no frequency). This variant has not been reported in the literature in individuals affected with CUL3-related conditions. ClinVar contains an entry for this variant (Variation ID: 2429863). Variants that disrupt the consensus splice site are a relatively common cause of aberrant splicing (PMID: 17576681, 9536098). Algorithms developed to predict the effect of sequence changes on RNA splicing suggest that this variant may disrupt the consensus splice site. In summary, the available evidence is currently insufficient to determine the role of this variant in disease. Therefore, it has been classified as a Variant of Uncertain Significance.

Department of Genetics, Rouen University Hospital, Normandy Center for Genomic and Personalized Medicine
Classification: Uncertain significance for Autism spectrum disorder. Review status: criteria provided, single submitter. Criteria: ACMG Guidelines, 2015. Collection method: clinical testing. Allele origin: paternal. Affected: yes.

Literature cited by the submitters: PubMed 17576681 (cited by Labcorp Genetics (formerly Invitae), Labcorp); PubMed 9536098 (cited by Labcorp Genetics (formerly Invitae), Labcorp).